The following is an entry in ClinVar:

ClinVar aggregate classification (germline): Uncertain significance (1 of 4 stars; one submission).

Submission:

GeneDx
Classification: Uncertain significance. Last evaluated: 2022-12-16. Review status: criteria provided, single submitter. Criteria: GeneDx Variant Classification Process June 2021. Collection method: clinical testing. Allele origin: germline. Affected: yes.
Comment: Not observed at significant frequency in large population cohorts (gnomAD); In silico analysis supports that this missense variant has a deleterious effect on protein structure/function; Has not been previously published as pathogenic or benign to our knowledge

NM_001367721.1(CASK):c.1861T>C (p.Phe621Leu)

Gene: CASK (calcium/calmodulin dependent serine protein kinase; minus strand). Cytogenetic location: Xp11.4.
Variant type: single nucleotide variant.
Coding change: c.1861T>C on transcript NM_001367721.1 (MANE Select); coding-DNA position 1861, T replaced by C.
Protein change: p.Phe621Leu; replaces phenylalanine 621 with leucine.
Molecular consequence: missense variant.
Genome position (GRCh38, 1-based): chrX:41,553,897, A>G on the plus strand (T>C on the coding strand, the complement: CASK is on the minus strand). VCF-style: chrX-41553897-A-G. GRCh37 (hg19) VCF-style: chrX-41413150-A-G.
Other names: c.1792T>C, p.Phe598Leu (NM_001126054.3); c.1774T>C, p.Phe592Leu (NM_001126055.3); c.1843T>C, p.Phe615Leu (NM_001410745.1); c.1861T>C, p.Phe621Leu (NM_003688.4); short protein forms F592L, F598L, F615L, F621L.
Identifiers: ClinVar variation 2505630 (VCV002505630.1), dbSNP rs2519752196, ClinGen allele CA412993409.